The following is an entry in ClinVar:

ClinVar aggregate classification (germline): Uncertain significance. Review status: criteria provided, multiple submitters, no conflicts (2 of 4 stars). 2 submissions from 2 submitters: Uncertain significance (2). Last evaluated 2023-04-27.

Conditions:
Inborn genetic diseases. Identifiers: MedGen C0950123, MeSH D030342.

Allele frequency attached by ClinVar (database versions not stated): ESP Exome Variant Server 0.00023.
gnomAD v4.1: 4 of 1,613,534 alleles (0.00025%); highest among the groups gnomAD compares: African/African-American, 0.0053%; no homozygotes.

Submissions (2):

Ambry Genetics
Classification: Uncertain significance for Inborn genetic diseases. Last evaluated: 2023-04-27. Review status: criteria provided, single submitter. Criteria: Ambry Variant Classification Scheme 2023. Collection method: clinical testing. Allele origin: germline.

Labcorp Genetics (formerly Invitae), Labcorp
Classification: Uncertain significance. Last evaluated: 2022-06-28. Review status: criteria provided, single submitter. Criteria: Invitae Variant Classification Sherloc (09022015). Collection method: clinical testing. Allele origin: germline.
Comment: In summary, the available evidence is currently insufficient to determine the role of this variant in disease. Therefore, it has been classified as a Variant of Uncertain Significance. This variant is present in population databases (rs113146213, gnomAD 0.01%). Advanced modeling of protein sequence and biophysical properties (such as structural, functional, and spatial information, amino acid conservation, physicochemical variation, residue mobility, and thermodynamic stability) performed at Invitae indicates that this missense variant is not expected to disrupt GRM6 protein function. This variant has not been reported in the literature in individuals affected with GRM6-related conditions. This sequence change replaces asparagine, which is neutral and polar, with lysine, which is basic and polar, at codon 612 of the GRM6 protein (p.Asn612Lys).

NM_000843.4(GRM6):c.1836C>G (p.Asn612Lys)

Genes: GRM6 (glutamate metabotropic receptor 6; minus strand), ZNF454 (zinc finger protein 454; plus strand). Cytogenetic location: 5q35.3.
Variant type: single nucleotide variant.
Coding change: c.1836C>G on transcript NM_000843.4 (MANE Select); coding-DNA position 1836, C replaced by G.
Protein change: p.Asn612Lys; replaces asparagine 612 with lysine.
Molecular consequence: missense variant.
Genome position (GRCh38, 1-based): chr5:178,986,418, G>C on the plus strand (C>G on the coding strand, the complement: GRM6 is on the minus strand). VCF-style: chr5-178986418-G-C. GRCh37 (hg19) VCF-style: chr5-178413419-G-C.
Other names: c.1836C>G (NM_000843.3); short protein forms N612K.
Identifiers: ClinVar variation 1504045 (VCV001504045.8), dbSNP rs113146213, ClinGen allele CA3593915.